The following is an entry in ClinVar:

NM_005055.5(RAPSN):c.724C>T (p.Arg242Trp)

Gene: RAPSN (receptor associated protein of the synapse; minus strand). Cytogenetic location: 11p11.2.
Variant type: single nucleotide variant.
Coding change: c.724C>T on transcript NM_005055.5 (MANE Select); coding-DNA position 724, C replaced by T.
Protein change: p.Arg242Trp; replaces arginine 242 with tryptophan.
Molecular consequence: missense variant.
Genome position (GRCh38, 1-based): chr11:47,441,888, G>A on the plus strand (C>T on the coding strand, the complement: RAPSN is on the minus strand). VCF-style: chr11-47441888-G-A. GRCh37 (hg19) VCF-style: chr11-47463440-G-A.
Other names: c.724C>T (NM_005055.4); c.724C>T, p.Arg242Trp (NM_032645.5); short protein forms R242W.
Identifiers: ClinVar variation 2057011 (VCV002057011.4), dbSNP rs1005550058, ClinGen allele CA221716778.

ClinVar aggregate classification (germline): Conflicting classifications of pathogenicity. Review status: criteria provided, conflicting classifications (1 of 4 stars). 3 submissions from 3 submitters: Likely pathogenic (2); Uncertain significance (1). Last evaluated 2025-11-03.

Conditions:
Congenital myasthenic syndrome (CMS). Also called: Congenital Myasthenic Syndromes. Identifiers: Orphanet 590, MedGen C0751882, MeSH D020294, MONDO:0018940.
Congenital myasthenic syndrome 11. Also called: Myasthenic syndrome, congenital, 11, associated with acetylcholine receptor deficiency; MYASTHENIC SYNDROME, CONGENITAL, Ie. Identifiers: Orphanet 590, MedGen C4225367, MONDO:0014588, OMIM 616326.
Fetal akinesia deformation sequence 1 (FADS1). Also called: Pena-Shokeir syndrome type I; Fetal akinesia sequence. Identifiers: Orphanet 994, MedGen C1276035, MONDO:0100101, OMIM 208150, HP:0001989.
Fetal akinesia deformation sequence 2. Identifiers: MedGen C4760576, MONDO:0100102, OMIM 618388.

Allele frequency attached by ClinVar (database versions not stated): gnomAD exomes 0.00001; gnomAD 0.00004; TOPMed 0.00006.
gnomAD v4.1: 28 of 1,592,442 alleles (0.0018%); highest among the groups gnomAD compares: Admixed American, 0.019%; no homozygotes.

Submissions (3):

Natera, Inc.
Classification: Likely pathogenic for Congenital myasthenic syndrome. Last evaluated: 2025-11-03. Review status: criteria provided, single submitter. Criteria: Natera Variant Classification Schema (03/2026). Collection method: clinical testing. Allele origin: germline.
Comment: The c.724C>T variant in RAPSN is a missense variant predicted to cause substitution of arginine to tryptophan at amino acid 242. This variant is rare in the general population with a frequency below the threshold expected for the associated phenotype(s). This variant has been observed in one or more individuals affected with the associated recessive disease, as either homozygous or compound heterozygous with a second variant (PMID: 19620612). Additionally, this variant has been observed to segregate in affected family members (PMID: 19620612). Computational prediction algorithms indicate this variant is likely to affect gene or protein function. Given the available evidence, this variant is classified as Likely Pathogenic.

Baylor Genetics
Classification: Likely pathogenic for Fetal akinesia deformation sequence 2. Last evaluated: 2024-03-27. Review status: criteria provided, single submitter. Criteria: ACMG Guidelines, 2015. Collection method: clinical testing. Allele origin: unknown.

Labcorp Genetics (formerly Invitae), Labcorp
Classification: Uncertain significance for Congenital myasthenic syndrome 11; Fetal akinesia deformation sequence 1. Last evaluated: 2022-05-13. Review status: criteria provided, single submitter. Criteria: Invitae Variant Classification Sherloc (09022015). Collection method: clinical testing. Allele origin: germline.
Comment: This sequence change replaces arginine, which is basic and polar, with tryptophan, which is neutral and slightly polar, at codon 242 of the RAPSN protein (p.Arg242Trp). The frequency data for this variant in the population databases is considered unreliable, as metrics indicate poor data quality at this position in the gnomAD database. This missense change has been observed in individual(s) with clinical features of RAPSN-related conditions (PMID: 19620612). Algorithms developed to predict the effect of missense changes on protein structure and function are either unavailable or do not agree on the potential impact of this missense change (SIFT: "Deleterious"; PolyPhen-2: "Probably Damaging"; Align-GVGD: "Class C0"). In summary, the available evidence is currently insufficient to determine the role of this variant in disease. Therefore, it has been classified as a Variant of Uncertain Significance.

Literature cited by the submitters: PubMed 19620612 (cited by Natera, Inc. and Labcorp Genetics (formerly Invitae), Labcorp).